The following is an entry in ClinVar:

ClinVar aggregate classification (germline): Pathogenic (1 of 4 stars; one submission).

Submission:

Labcorp Genetics (formerly Invitae), Labcorp
Classification: Pathogenic. Last evaluated: 2022-04-19. Review status: criteria provided, single submitter. Criteria: Invitae Variant Classification Sherloc (09022015). Collection method: clinical testing. Allele origin: germline.
Comment: This variant is a gross deletion of the genomic region encompassing exon(s) 2 of the GTF2H5 gene, which includes the initiator codon. This deletion extends beyond the assayed region for this gene and therefore may encompass additional genes. It is expected to result in an absent or disrupted protein product. Loss-of-function variants in GTF2H5 are known to be pathogenic (PMID: 15220921, 26863999). This variant has not been reported in the literature in individuals affected with GTF2H5-related conditions. For these reasons, this variant has been classified as Pathogenic.

Literature cited by the submitters: PubMed 15220921; PubMed 26863999.

NC_000006.11:g.(?_158591536)_(158591590_?)del

Gene: GTF2H5 (general transcription factor IIH subunit 5; plus strand). Cytogenetic location: 6q25.3.
Variant type: Deletion.
Identifiers: ClinVar variation 2427776 (VCV002427776.4).